The following is an entry in ClinVar:

NM_147127.5(EVC2):c.142C>T (p.Arg48Trp)

Gene: EVC2 (EvC ciliary complex subunit 2; minus strand). Cytogenetic location: 4p16.2.
Variant type: single nucleotide variant.
Coding change: c.142C>T on transcript NM_147127.5 (MANE Select); coding-DNA position 142, C replaced by T.
Protein change: p.Arg48Trp; replaces arginine 48 with tryptophan.
Molecular consequence: missense variant. On other transcripts: intron variant (1).
Genome position (GRCh38, 1-based): chr4:5,708,372, G>A on the plus strand (C>T on the coding strand, the complement: EVC2 is on the minus strand). VCF-style: chr4-5708372-G-A. GRCh37 (hg19) VCF-style: chr4-5710099-G-A.
Other names: c.-13+457C>T (NM_001166136.2); short protein forms R48W.
Identifiers: ClinVar variation 3762293 (VCV003762293.2).
Genomic context (GRCh38, chr4:5,708,372, plus strand): 5'-CGCTCCGCCCCGGAGGGATCCTCAGGCCGGGCCCAGACCTAGGAGCCACCTGGGGATCCC[G>A]GGGTGGCTGCGCGCCGAGGGGGCGCCAGCGGGGACGTGAGCTGGCGCCGAGACAGCCTCG-3'
Protein context (NP_667338.3, residues 38-58): RWRPLGAQPP[Arg48Trp]DPQVAPRSGP

ClinVar aggregate classification (germline): Uncertain significance (1 of 4 stars; one submission).

Conditions:
Curry-Hall syndrome (WAD). Also called: WEYERS ACRODENTAL DYSOSTOSIS. Identifiers: Orphanet 952, MedGen C0457013, MONDO:0008673, OMIM 193530.
Ellis-van Creveld syndrome (EVC). Also called: EVC-Related Ellis-van Creveld Syndrome; EVC2-Related Ellis-van Creveld Syndrome; MESOECTODERMAL DYSPLASIA; Chondroectodermal dysplasia. Identifiers: Orphanet 289, MedGen C0013903, MONDO:0009162, OMIM 225500.

gnomAD v4.1: 9 of 1,491,892 alleles (0.0006%); highest among the groups gnomAD compares: South Asian, 0.0038%; no homozygotes.

Submission:

Labcorp Genetics (formerly Invitae), Labcorp
Classification: Uncertain significance for Curry-Hall syndrome; Ellis-van Creveld syndrome. Last evaluated: 2024-10-23. Review status: criteria provided, single submitter. Criteria: Invitae Variant Classification Sherloc (09022015). Collection method: clinical testing. Allele origin: germline.
Comment: This sequence change replaces arginine, which is basic and polar, with tryptophan, which is neutral and slightly polar, at codon 48 of the EVC2 protein (p.Arg48Trp). This variant is not present in population databases (gnomAD no frequency). This variant has not been reported in the literature in individuals affected with EVC2-related conditions. An algorithm developed to predict the effect of missense changes on protein structure and function (PolyPhen-2) suggests that this variant is likely to be tolerated. In summary, the available evidence is currently insufficient to determine the role of this variant in disease. Therefore, it has been classified as a Variant of Uncertain Significance.